The following is an entry in ClinVar:

NM_139159.5(DPP9):c.746G>A (p.Arg249Gln)

Genes: DPP9 (dipeptidyl peptidase 9; minus strand), LOC126862841 (BRD4-independent group 4 enhancer GRCh37_chr19:4703720-4704919; plus strand). Cytogenetic location: 19p13.3.
Variant type: single nucleotide variant.
Coding change: c.746G>A on transcript NM_139159.5 (MANE Select); coding-DNA position 746, G replaced by A.
Protein change: p.Arg249Gln; replaces arginine 249 with glutamine.
Molecular consequence: missense variant. On other transcripts: non-coding transcript variant (10), intron variant (1).
Genome position (GRCh38, 1-based): chr19:4,703,909, C>T on the plus strand (G>A on the coding strand, the complement: DPP9 is on the minus strand). VCF-style: chr19-4703909-C-T. GRCh37 (hg19) VCF-style: chr19-4703921-C-T.
Other names: c.746G>A, p.Arg249Gln (NM_001384617.1, NM_001384618.1, NM_001384620.1 and 18 more transcripts); c.659G>A, p.Arg220Gln (NM_001384623.1, NM_001384624.1, NM_001384625.1 and 4 more transcripts); c.746G>A (NM_139159.4); c.736+10G>A (NM_001384619.1); short protein forms R220Q, R249Q.
Identifiers: ClinVar variation 2649079 (VCV002649079.24), dbSNP rs373451371, ClinGen allele CA9104302.

ClinVar aggregate classification (germline): Conflicting classifications of pathogenicity. Review status: criteria provided, conflicting classifications (1 of 4 stars). 2 submissions from 2 submitters: Uncertain significance (1); Likely benign (1). Last evaluated 2025-09-24.

Allele frequency attached by ClinVar (database versions not stated): gnomAD exomes 0.00002; gnomAD 0.00004; TOPMed 0.00004; ExAC 0.00006; ESP Exome Variant Server 0.00008.
gnomAD v4.1: 41 of 1,608,828 alleles (0.0025%); highest among the groups gnomAD compares: African/African-American, 0.021%; no homozygotes.

Submissions (2):

Ambry Genetics
Classification: Uncertain significance. Last evaluated: 2025-09-24. Review status: criteria provided, single submitter. Criteria: Ambry Variant Classification Scheme 2023. Collection method: clinical testing. Allele origin: germline.

CeGaT Center for Human Genetics Tuebingen
Classification: Likely benign. Last evaluated: 2022-11-01. Review status: criteria provided, single submitter. Criteria: CeGaT Center For Human Genetics Tuebingen Variant Classification Criteria Version 2. Collection method: clinical testing. Allele origin: germline. Affected: yes. Observed: 1 variant allele.
Comment: DPP9: BP4